The following is an entry in ClinVar:

NM_001009944.3(PKD1):c.*8T>G

Gene: PKD1 (polycystin 1, transient receptor potential channel interacting; minus strand). Cytogenetic location: 16p13.3.
Variant type: single nucleotide variant.
Coding change: c.*8T>G on transcript NM_001009944.3 (MANE Select); 8 bases downstream of the stop codon, T replaced by G.
Molecular consequence: 3 prime UTR variant.
Genome position (GRCh38, 1-based): chr16:2,089,719, A>C on the plus strand (T>G on the coding strand, the complement: PKD1 is on the minus strand). VCF-style: chr16-2089719-A-C. GRCh37 (hg19) VCF-style: chr16-2139720-A-C.
Other names: c.*8T>G (NM_000296.4).
Identifiers: ClinVar variation 3054230 (VCV003054230.3), dbSNP rs767068030, ClinGen allele CA7828425.

ClinVar aggregate classification (germline): Likely benign. Review status: criteria provided, single submitter (1 of 4 stars). 2 submissions from 2 submitters: Likely benign (1). 1 of the submissions does not count toward it. Last evaluated 2017-03-28.

Conditions:
PKD1-related disorder. Also called: PKD1-related condition.
Autosomal dominant polycystic kidney disease. Identifiers: Orphanet 730, MedGen C0085413, MONDO:0004691.

Allele frequency attached by ClinVar (database versions not stated): TOPMed 0.00011; ExAC 0.00017; gnomAD 0.00017.
gnomAD v4.1: 185 of 1,575,044 alleles (0.012%); highest among the groups gnomAD compares: Non-Finnish European, 0.015%; no homozygotes.

Submissions (2):

Department of Pathology and Laboratory Medicine, Sinai Health System
Classification: Likely benign for autosomal dominant polycystic kidney disease. Last evaluated: 2017-03-28. Review status: criteria provided, single submitter. Criteria: ACMG Guidelines, 2015. Collection method: clinical testing. Allele origin: germline. Affected: yes.

PreventionGenetics, part of Exact Sciences
Classification: Likely benign for PKD1-related condition. Last evaluated: 2022-09-28. Review status: no assertion criteria provided. Collection method: clinical testing. Allele origin: germline. Not counted in ClinVar's aggregate classification.
Comment: This variant is classified as likely benign based on ACMG/AMP sequence variant interpretation guidelines (Richards et al. 2015 PMID: 25741868, with internal and published modifications).